The following is an entry in ClinVar:

ClinVar aggregate classification (germline): Pathogenic. Review status: criteria provided, multiple submitters, no conflicts (2 of 4 stars). 2 submissions from 2 submitters: Pathogenic (2). Last evaluated 2024-06-17.

Submissions (2):

GeneDx
Classification: Pathogenic. Last evaluated: 2024-06-17. Review status: criteria provided, single submitter. Criteria: GeneDx Variant Classification Process June 2021. Collection method: clinical testing. Allele origin: germline. Affected: yes.
Comment: Identified in two unrelated individuals with Albright Hereditary Osteodystrophy and pseudohypoparathyroidism type Ia; reported as c.572_573delAT and c.568_569delTA, respectively, due to use of alternate nomenclature (PMID: 23533243, 29059381); Frameshift variant predicted to result in protein truncation or nonsense mediated decay in a gene for which loss-of-function is a known mechanism of disease; Not observed in large population cohorts (gnomAD); This variant is associated with the following publications: (PMID: 21521295, 29059381, 32110670, 23533243)

Labcorp Genetics (formerly Invitae), Labcorp
Classification: Pathogenic. Last evaluated: 2022-01-17. Review status: criteria provided, single submitter. Criteria: Invitae Variant Classification Sherloc (09022015). Collection method: clinical testing. Allele origin: germline.
Comment: This sequence change creates a premature translational stop signal (p.Tyr190Cysfs*19) in the GNAS gene. It is expected to result in an absent or disrupted protein product. Loss-of-function variants in GNAS are known to be pathogenic (PMID: 11784876, 23281139, 23796510, 25802881). For these reasons, this variant has been classified as Pathogenic. This variant is also known as c.572_573delAT (p.Y191TfsX19). This premature translational stop signal has been observed in individual(s) with GNAS-related conditions (PMID: 23533243). This variant is not present in population databases (gnomAD no frequency).

Literature cited by the submitters: PubMed 11784876 (cited by Labcorp Genetics (formerly Invitae), Labcorp); PubMed 23281139 (cited by Labcorp Genetics (formerly Invitae), Labcorp); PubMed 23796510 (cited by Labcorp Genetics (formerly Invitae), Labcorp); PubMed 25802881 (cited by Labcorp Genetics (formerly Invitae), Labcorp); PubMed 23533243 (cited by Labcorp Genetics (formerly Invitae), Labcorp).

NM_000516.7(GNAS):c.569_570del (p.Tyr190fs)

Gene: GNAS (GNAS complex locus; plus strand). Cytogenetic location: 20q13.32.
Variant type: Deletion.
Coding change: c.569_570del on transcript NM_000516.7 (MANE Select); coding-DNA positions 569 to 570, 2 bases deleted (AT; older notation c.569_570delAT).
Protein change: p.Tyr190fs; shifts the reading frame from tyrosine 190.
Molecular consequence: frameshift variant. On other transcripts: 3 prime UTR variant (2).
Genome position (GRCh38, 1-based): chr20:58,909,200-58,909,201, AT deleted; deleting any 2 consecutive bases within chr20:58,909,199-58,909,201 gives the same sequence; the c. name uses the placement nearest the transcript's 3' end. VCF-style (leftmost placement, unchanged base first): chr20-58909198-CTA-C. GRCh37 (hg19) VCF-style: chr20-57484253-CTA-C.
Other names: c.572_573del, p.Tyr191fs (NM_001077488.5); c.524_525del, p.Tyr175fs (NM_001077489.4); c.*430_*431del (NM_001077490.3); c.392_393del, p.Tyr131fs (NM_001309840.2, NM_001309861.2); c.473_474delAT, p.Tyr158Cysfs (NM_001410912.1); c.2453_2454delAT, p.Tyr818Cysfs (NM_001410913.1); c.*475_*476del (NM_016592.5); c.2498_2499del, p.Tyr833fs (NM_080425.4); and 1 more; short protein forms Y131fs, Y175fs, Y176fs, Y190fs, Y191fs, Y833fs.
Identifiers: ClinVar variation 1712001 (VCV001712001.7), dbSNP rs2517226100, ClinGen allele CA2580098321.